The following is an entry in ClinVar:

ClinVar aggregate classification (germline): Likely pathogenic (1 of 4 stars; one submission).

Conditions:
VPS13A-related neurodegenerative disease. Also called: LEVINE-CRITCHLEY SYNDROME; Choreoacanthocytosis; Chorea-acanthocytosis; ACANTHOCYTOSIS WITH NEUROLOGIC DISORDER; VPS13A Disease; Choreaacanthocytosis. Identifiers: Orphanet 2388, MedGen C0393576, MONDO:0008695, OMIM 200150.

Submission:

Natera, Inc.
Classification: Likely pathogenic for Choreaacanthocytosis. Last evaluated: 2025-12-03. Review status: criteria provided, single submitter. Criteria: Natera Variant Classification Schema (03/2026). Collection method: clinical testing. Allele origin: germline.
Comment: The c.6827_6828del variant in VPS13A is a frameshift variant predicted to shift the reading frame beginning at codon 2276 and leads to a stop codon 3 codons downstream. This variant is expected to result in nonsense mediated decay, truncation, or a dysfunctional protein product. This variant is rare in the general population with a frequency below the threshold expected for the associated phenotype(s). Given the available evidence, this variant is classified as Likely Pathogenic.

NM_033305.3(VPS13A):c.6827_6828del (p.Thr2276fs)

Gene: VPS13A (vacuolar protein sorting 13 homolog A; plus strand). Cytogenetic location: 9q21.2.
Variant type: Deletion.
Coding change: c.6827_6828del on transcript NM_033305.3 (MANE Select); coding-DNA positions 6827 to 6828, 2 bases deleted (CT; older notation c.6827_6828delCT).
Protein change: p.Thr2276fs; shifts the reading frame from threonine 2276.
Molecular consequence: frameshift variant.
Genome position (GRCh38, 1-based): chr9:77,340,230-77,340,231, CT deleted. VCF-style (leftmost placement, unchanged base first): chr9-77340229-ACT-A. GRCh37 (hg19) VCF-style: chr9-79955145-ACT-A.
Other names: c.6710_6711del, p.Thr2237fs (NM_001018037.2); c.6827_6828del, p.Thr2276fs (NM_001018038.3, NM_015186.4); short protein forms T2237fs, T2276fs.
Identifiers: ClinVar variation 4816418 (VCV004816418.1).